The following is an entry in ClinVar:

NM_020778.5(ALPK3):c.4644G>C (p.Glu1548Asp)

Gene: ALPK3 (alpha kinase 3; plus strand). Cytogenetic location: 15q25.3.
Variant type: single nucleotide variant.
Coding change: c.4644G>C on transcript NM_020778.5 (MANE Select); coding-DNA position 4644, G replaced by C.
Protein change: p.Glu1548Asp; replaces glutamic acid 1548 with aspartic acid.
Molecular consequence: missense variant.
Genome position (GRCh38, 1-based): chr15:84,864,586, G>C. VCF-style: chr15-84864586-G-C. GRCh37 (hg19) VCF-style: chr15-85407817-G-C.
Other names: short protein forms E1548D.
Identifiers: ClinVar variation 3902918 (VCV003902918.1).

ClinVar aggregate classification (germline): Uncertain significance (1 of 4 stars; one submission).

Submission:

GeneDx
Classification: Uncertain significance. Last evaluated: 2024-12-10. Review status: criteria provided, single submitter. Criteria: GeneDx Variant Classification Process June 2021. Collection method: clinical testing. Allele origin: germline. Affected: yes.
Comment: Has not been previously published as pathogenic or benign to our knowledge; Not observed at significant frequency in large population cohorts (gnomAD); In silico analysis supports that this missense variant has a deleterious effect on protein structure/function